The following is an entry in ClinVar:

NM_000051.4(ATM):c.4382G>T (p.Trp1461Leu)

Gene: ATM (ATM serine/threonine kinase; plus strand). Cytogenetic location: 11q22.3.
Variant type: single nucleotide variant.
Coding change: c.4382G>T on transcript NM_000051.4 (MANE Select); coding-DNA position 4382, G replaced by T.
Protein change: p.Trp1461Leu; replaces tryptophan 1461 with leucine.
Molecular consequence: missense variant.
Genome position (GRCh38, 1-based): chr11:108,289,747, G>T. VCF-style: chr11-108289747-G-T. GRCh37 (hg19) VCF-style: chr11-108160474-G-T.
Other names: c.4382G>T, p.Trp1461Leu (NM_001351834.2); short protein forms W1461L.
Identifiers: ClinVar variation 3656167 (VCV003656167.2).

ClinVar aggregate classification (germline): Uncertain significance (1 of 4 stars; one submission).

Conditions:
Ataxia-telangiectasia syndrome (AT). Also called: LOUIS-BAR SYNDROME; Cerebello-oculocutaneous telangiectasia; Immunodeficiency with ataxia telangiectasia; ATAXIA-TELANGIECTASIA, COMPLEMENTATION GROUP A; ATAXIA-TELANGIECTASIA, FRESNO VARIANT; Ataxia-telangiectasia, complementation group D. Identifiers: Orphanet 100, MedGen C0004135, MONDO:0008840, OMIM 208900.

Submission:

Labcorp Genetics (formerly Invitae), Labcorp
Classification: Uncertain significance for Ataxia-telangiectasia syndrome. Last evaluated: 2024-06-11. Review status: criteria provided, single submitter. Criteria: Invitae Variant Classification Sherloc (09022015). Collection method: clinical testing. Allele origin: germline.
Comment: This sequence change replaces tryptophan, which is neutral and slightly polar, with leucine, which is neutral and non-polar, at codon 1461 of the ATM protein (p.Trp1461Leu). This variant is not present in population databases (gnomAD no frequency). This variant has not been reported in the literature in individuals affected with ATM-related conditions. An algorithm developed to predict the effect of missense changes on protein structure and function (PolyPhen-2) suggests that this variant is likely to be disruptive. In summary, the available evidence is currently insufficient to determine the role of this variant in disease. Therefore, it has been classified as a Variant of Uncertain Significance.